The following is an entry in ClinVar:

ClinVar aggregate classification (germline): Benign. Review status: criteria provided, multiple submitters, no conflicts (2 of 4 stars). 2 submissions from 2 submitters: Benign (2). Last evaluated 2018-06-14.

Allele frequency attached by ClinVar (database versions not stated): gnomAD exomes 0.00195; 1000 Genomes Project 0.01418; 1000 Genomes Project 30x 0.01452; gnomAD 0.01789 and 0.01946; TOPMed 0.02058.
gnomAD v4.1: 5,670 of 1,580,884 alleles (0.36%); highest among the groups gnomAD compares: African/African-American, 6.2%; 160 homozygotes.

Submissions (2):

GeneDx
Classification: Benign. Last evaluated: 2018-06-14. Review status: criteria provided, single submitter. Criteria: GeneDx Variant Classification (06012015). Collection method: clinical testing. Allele origin: germline. Affected: yes.
Comment: This variant is considered likely benign or benign based on one or more of the following criteria: it is a conservative change, it occurs at a poorly conserved position in the protein, it is predicted to be benign by multiple in silico algorithms, and/or has population frequency not consistent with disease.

Breakthrough Genomics
Classification: Benign. Review status: criteria provided, single submitter. Criteria: ACMG Guidelines, 2015. Collection method: not provided. Allele origin: germline. Inheritance: Autosomal dominant inheritance. Affected: yes.

NM_000093.5(COL5A1):c.1164+87T>A

Gene: COL5A1 (collagen type V alpha 1 chain; plus strand). Cytogenetic location: 9q34.3.
Variant type: single nucleotide variant.
Coding change: c.1164+87T>A on transcript NM_000093.5 (MANE Select); 87 bases into the intron after coding-DNA position 1164, T replaced by A.
Molecular consequence: intron variant.
Genome position (GRCh38, 1-based): chr9:134,730,562, T>A. VCF-style: chr9-134730562-T-A. GRCh37 (hg19) VCF-style: chr9-137622408-T-A.
Other names: c.1164+87T>A (NM_001278074.1).
Identifiers: ClinVar variation 675817 (VCV000675817.2), dbSNP rs142673093, ClinGen allele CA201108335.
Genomic context (GRCh38, chr9:134,730,562, plus strand): 5'-GGTCTGGGGCAGTGGGCCAAGGGCCAGGGCTGGGGCCACAATGCTGAGCTCCCTTCTTAC[T>A]CCAGTTCTCACCTTGGTGTCCTCGGGTGGCCCCTGTGTTCCACCACACCCTGGCCCTGGG-3'